The following is an entry in ClinVar:

ClinVar aggregate classification (germline): Uncertain significance (1 of 4 stars; one submission).

Allele frequency attached by ClinVar (database versions not stated): gnomAD exomes below 0.00001; ExAC 0.00001; TOPMed 0.00001; gnomAD 0.00002.
gnomAD v4.1: 3 of 1,613,940 alleles (0.00019%); highest among the groups gnomAD compares: African/African-American, 0.004%; no homozygotes.

Submission:

GeneDx
Classification: Uncertain significance. Last evaluated: 2022-02-21. Review status: criteria provided, single submitter. Criteria: GeneDx Variant Classification Process June 2021. Collection method: clinical testing. Allele origin: germline. Affected: yes.
Comment: Not observed at significant frequency in large population cohorts (gnomAD); In silico analysis supports that this missense variant does not alter protein structure/function; Has not been previously published as pathogenic or benign to our knowledge

NM_005051.3(QARS1):c.262A>C (p.Ser88Arg)

Gene: QARS1 (glutaminyl-tRNA synthetase 1; minus strand). Cytogenetic location: 3p21.31.
Variant type: single nucleotide variant.
Coding change: c.262A>C on transcript NM_005051.3 (MANE Select); coding-DNA position 262, A replaced by C.
Protein change: p.Ser88Arg; replaces serine 88 with arginine.
Molecular consequence: missense variant. On other transcripts: intron variant (1).
Genome position (GRCh38, 1-based): chr3:49,104,327, T>G on the plus strand (A>C on the coding strand, the complement: QARS1 is on the minus strand). VCF-style: chr3-49104327-T-G. GRCh37 (hg19) VCF-style: chr3-49141760-T-G.
Other names: c.232+30A>C (NM_001272073.2); short protein forms S88R.
Identifiers: ClinVar variation 1702566 (VCV001702566.2), dbSNP rs751342771, ClinGen allele CA2392268.
Genomic context (GRCh38, chr3:49,104,327, plus strand): 5'-GGGTCTTGGCTGAAGGGAGGCATTGGTGCGAACTGGCAGGACAGGTAGGGGTCTCACCGC[T>G]TAGCTGGGGCTCAGTGTGGATCTTCTTACTGGCTATGTAGCTTACAAGGAAGGAGAGACG-3'
Protein context (NP_005042.1, residues 78-98): SKKIHTEPQL[Ser88Arg]AALEYVRSHP